The following is an entry in ClinVar:

NM_000321.3(RB1):c.*172G>A

Gene: RB1 (RB transcriptional corepressor 1; plus strand). Cytogenetic location: 13q14.2.
Variant type: single nucleotide variant.
Coding change: c.*172G>A on transcript NM_000321.3 (MANE Select); 172 bases downstream of the stop codon, G replaced by A.
Molecular consequence: 3 prime UTR variant.
Genome position (GRCh38, 1-based): chr13:48,480,243, G>A. VCF-style: chr13-48480243-G-A. GRCh37 (hg19) VCF-style: chr13-49054379-G-A.
Identifiers: ClinVar variation 312299 (VCV000312299.6), dbSNP rs143536240, ClinGen allele CA10644679.

ClinVar aggregate classification (germline): Benign. Review status: criteria provided, multiple submitters, no conflicts (2 of 4 stars). 2 submissions from 2 submitters: Benign (2). Last evaluated 2018-01-13.

Conditions:
Retinoblastoma (RB1). Also called: RETINOBLASTOMA, SOMATIC. Identifiers: Orphanet 790, MedGen C0035335, MeSH D012175, MONDO:0008380, OMIM 180200, HP:0009919. Disease mechanism: loss of function. Inheritance: Both sporadic and heritable forms are tested..

Allele frequency attached by ClinVar (database versions not stated): gnomAD 0.00137 and 0.00141; 1000 Genomes Project 30x 0.00141; 1000 Genomes Project 0.00120; TOPMed 0.00144; gnomAD exomes 0.00170.
gnomAD v4.1: 1,075 of 625,286 alleles (0.17%); highest among the groups gnomAD compares: Middle Eastern, 1.1%; 9 homozygotes.

Submissions (2):

Illumina Laboratory Services, Illumina
Classification: Benign for Retinoblastoma. Last evaluated: 2018-01-13. Review status: criteria provided, single submitter. Criteria: ICSL Variant Classification Criteria 13 December 2019. Collection method: clinical testing. Allele origin: germline.
Comment: This variant was observed in the ICSL laboratory as part of a predisposition screen in an ostensibly healthy population. It had not been previously curated by ICSL or reported in the Human Gene Mutation Database (HGMD: prior to June 1st, 2018), and was therefore a candidate for classification through an automated scoring system. Utilizing variant allele frequency, disease prevalence and penetrance estimates, and inheritance mode, an automated score was calculated to assess if this variant is too frequent to cause the disease. Based on the score and internal cut-off values, a variant classified as benign is not then subjected to further curation. The score for this variant resulted in a classification of benign for this disease.

Breakthrough Genomics
Classification: Benign. Review status: criteria provided, single submitter. Criteria: ACMG Guidelines, 2015. Collection method: not provided. Allele origin: germline. Inheritance: Autosomal dominant inheritance. Affected: yes.